The following is an entry in ClinVar:

ClinVar aggregate classification (germline): Uncertain significance (1 of 4 stars; one submission).

Conditions:
Perlman syndrome (PRLMNS). Identifiers: Orphanet 2849, MedGen C0796113, MONDO:0009965, OMIM 267000.

gnomAD v4.1: 5 of 1,607,658 alleles (0.00031%); highest among the groups gnomAD compares: Non-Finnish European, 0.00042%; no homozygotes.

Submission:

Labcorp Genetics (formerly Invitae), Labcorp
Classification: Uncertain significance for Perlman syndrome. Last evaluated: 2023-02-04. Review status: criteria provided, single submitter. Criteria: Invitae Variant Classification Sherloc (09022015). Collection method: clinical testing. Allele origin: germline.
Comment: In summary, the available evidence is currently insufficient to determine the role of this variant in disease. Therefore, it has been classified as a Variant of Uncertain Significance. Advanced modeling of protein sequence and biophysical properties (such as structural, functional, and spatial information, amino acid conservation, physicochemical variation, residue mobility, and thermodynamic stability) performed at Invitae indicates that this missense variant is expected to disrupt DIS3L2 protein function. ClinVar contains an entry for this variant (Variation ID: 1721141). This variant has not been reported in the literature in individuals affected with DIS3L2-related conditions. This variant is not present in population databases (gnomAD no frequency). This sequence change replaces glycine, which is neutral and non-polar, with valine, which is neutral and non-polar, at codon 766 of the DIS3L2 protein (p.Gly766Val).

NM_152383.5(DIS3L2):c.2297G>T (p.Gly766Val)

Gene: DIS3L2 (DIS3 like 3'-5' exoribonuclease 2; plus strand). Cytogenetic location: 2q37.1.
Variant type: single nucleotide variant.
Coding change: c.2297G>T on transcript NM_152383.5 (MANE Select); coding-DNA position 2297, G replaced by T.
Protein change: p.Gly766Val; replaces glycine 766 with valine.
Molecular consequence: missense variant. On other transcripts: non-coding transcript variant (2), intron variant (1).
Genome position (GRCh38, 1-based): chr2:232,334,638, G>T. VCF-style: chr2-232334638-G-T. GRCh37 (hg19) VCF-style: chr2-233199348-G-T.
Other names: c.1582-8707G>T (NM_001257281.2); short protein forms G766V.
Identifiers: ClinVar variation 1721141 (VCV001721141.5), dbSNP rs2469449258, ClinGen allele CA350977918.